The following is an entry in ClinVar:

NM_002397.5(MEF2C):c.811-12G>A

Gene: MEF2C (myocyte enhancer factor 2C; minus strand). Cytogenetic location: 5q14.3.
Variant type: single nucleotide variant.
Coding change: c.811-12G>A on transcript NM_002397.5 (MANE Select); 12 bases into the intron before coding-DNA position 811, G replaced by A.
Molecular consequence: intron variant.
Genome position (GRCh38, 1-based): chr5:88,730,246, C>T on the plus strand (G>A on the coding strand, the complement: MEF2C is on the minus strand). VCF-style: chr5-88730246-C-T. GRCh37 (hg19) VCF-style: chr5-88026063-C-T.
Other names: c.811-12G>A (NM_001364329.2, NM_001364330.2, NM_001193350.2 and 9 more transcripts); c.811-899G>A (NM_001364333.2, NM_001308002.3, NM_001364349.2 and 6 more transcripts); c.667-12G>A (NM_001364344.2, NM_001364354.2, NM_001364332.2 and 2 more transcripts); c.433-12G>A (NM_001364353.2, NM_001364356.2); c.805-899G>A (NM_001131005.2, NM_001364352.2, NM_001364343.2); c.865-899G>A (NM_001193347.1, NM_001364338.2); c.667-899G>A (NM_001193348.1); c.385-899G>A (NM_001364357.2).
Identifiers: ClinVar variation 138204 (VCV000138204.42), dbSNP rs149706617, ClinGen allele CA292050.
Genomic context (GRCh38, chr5:88,730,246, plus strand): 5'-TGAGGGAAGCGCTCTCACCACTTACCAAAAGCAGGTCGACATCCTCAGACTGAGAGCATG[C>T]GGAAGGAGTTTTATTAATTAGTGTCCGTAAATATTTATAATTGGGCAAAATCTTTTCAAC-3'

ClinVar aggregate classification (germline): Benign/Likely benign. Review status: criteria provided, multiple submitters, no conflicts (2 of 4 stars). 8 submissions from 8 submitters: Benign (2); Likely benign (6). Last evaluated 2026-07-01.

Conditions:
Neurodevelopmental disorder with hypotonia, stereotypic hand movements, and impaired language. Also called: Intellectual disability, autosomal dominant 20. Identifiers: Orphanet 228384, Orphanet 664410, MedGen C3150700, MONDO:0013266, OMIM 613443.

Allele frequency attached by ClinVar (database versions not stated): gnomAD exomes 0.00022; ExAC 0.00046; 1000 Genomes Project 0.00060; gnomAD 0.00064; 1000 Genomes Project 30x 0.00078; ESP Exome Variant Server 0.00092; TOPMed 0.00096.
gnomAD v4.1: 367 of 1,571,744 alleles (0.023%); highest among the groups gnomAD compares: African/African-American, 0.35%; 2 homozygotes.

Submissions (8):

CeGaT Center for Human Genetics Tuebingen
Classification: Likely benign. Last evaluated: 2026-07-01. Review status: criteria provided, single submitter. Criteria: CeGaT Center For Human Genetics Tuebingen Variant Classification Criteria Version 2. Collection method: clinical testing. Allele origin: germline. Affected: yes. Observed: 6 variant alleles.
Comment: MEF2C: BS1

Labcorp Genetics (formerly Invitae), Labcorp
Classification: Benign for Neurodevelopmental disorder with hypotonia, stereotypic hand movements, and impaired language. Last evaluated: 2026-01-05. Review status: criteria provided, single submitter. Criteria: Invitae Variant Classification Sherloc (09022015). Collection method: clinical testing. Allele origin: germline.

Genomic Medicine Center of Excellence, King Faisal Specialist Hospital and Research Centre
Classification: Likely benign. Last evaluated: 2025-08-18. Review status: criteria provided, single submitter. Criteria: ACMG Guidelines, 2015. Collection method: clinical testing. Allele origin: germline.

ARUP Laboratories, Molecular Genetics and Genomics, ARUP Laboratories
Classification: Likely benign. Last evaluated: 2025-07-17. Review status: criteria provided, single submitter. Criteria: ARUP Molecular Germline Variant Investigation Process 2024. Collection method: clinical testing. Allele origin: germline.

Blueprint Genetics
Classification: Likely benign. Last evaluated: 2024-11-11. Review status: criteria provided, single submitter. Criteria: ACMG Guidelines, 2015. Collection method: clinical testing. Allele origin: germline.

Genetic Services Laboratory, University of Chicago
Classification: Likely benign. Last evaluated: 2015-08-10. Review status: criteria provided, single submitter. Criteria: ACMG Guidelines, 2015. Collection method: clinical testing. Allele origin: germline.

GeneDx
Classification: Benign. Last evaluated: 2014-05-21. Review status: criteria provided, single submitter. Criteria: GeneDx Variant Classification (06012015). Collection method: clinical testing. Allele origin: germline. Affected: yes.
Comment: This variant is considered likely benign or benign based on one or more of the following criteria: it is a conservative change, it occurs at a poorly conserved position in the protein, it is predicted to be benign by multiple in silico algorithms, and/or has population frequency not consistent with disease.

Breakthrough Genomics
Classification: Likely benign. Review status: criteria provided, single submitter. Criteria: ACMG Guidelines, 2015. Collection method: not provided. Allele origin: germline. Inheritance: Autosomal dominant inheritance. Affected: yes.